The following is an entry in ClinVar:

ClinVar aggregate classification (germline): Pathogenic/Likely pathogenic. Review status: criteria provided, multiple submitters, no conflicts (2 of 4 stars). 4 submissions from 4 submitters: Pathogenic (1); Likely pathogenic (3). Last evaluated 2025-09-15.

Conditions:
Klippel-Feil anomaly-myopathy-facial dysmorphism syndrome. Also called: Klippel-feil syndrome 4, autosomal recessive, with nemaline myopathy and facial dysmorphism; Klippel-Feil syndrome 4, autosomal recessive, with myopathy and facial dysmorphism. Identifiers: Orphanet 447974, MedGen C4225285, MONDO:0014689, OMIM 616549.
MYO18B-related disorder. Also called: MYO18B-related condition.

Allele frequency attached by ClinVar (database versions not stated): gnomAD 0.00001 and 0.00003; TOPMed 0.00003.
gnomAD v4.1: 68 of 1,613,240 alleles (0.0042%); highest among the groups gnomAD compares: South Asian, 0.025%; no homozygotes.

Submissions (4):

First Genomix Gene Laboratory, Genetic Diagnostics Department
Classification: Likely pathogenic for Klippel-Feil anomaly-myopathy-facial dysmorphism syndrome. Last evaluated: 2025-09-15. Review status: criteria provided, single submitter. Criteria: ACMG Guidelines, 2015. Collection method: clinical testing. Allele origin: germline. Inheritance: Autosomal recessive inheritance. Affected: no. Observed: 1 variant allele.

Labcorp Genetics (formerly Invitae), Labcorp
Classification: Pathogenic. Last evaluated: 2025-09-10. Review status: criteria provided, single submitter. Criteria: Invitae Variant Classification Sherloc (09022015). Collection method: clinical testing. Allele origin: germline.
Comment: This sequence change creates a premature translational stop signal (p.Glu11*) in the MYO18B gene. It is expected to result in an absent or disrupted protein product. Loss-of-function variants in MYO18B are known to be pathogenic (PMID: 25748484, 32184166, 32637634). This variant is present in population databases (rs757976244, gnomAD 0.03%). This variant has not been reported in the literature in individuals affected with MYO18B-related conditions. ClinVar contains an entry for this variant (Variation ID: 1448838). For these reasons, this variant has been classified as Pathogenic.

Blueprint Genetics
Classification: Likely pathogenic for MYO18B-related disorders. Last evaluated: 2020-10-02. Review status: criteria provided, single submitter. Criteria: ACMG Guidelines, 2015. Collection method: clinical testing. Allele origin: germline. Affected: yes. Observed: 4 variant alleles.

Neuberg Centre For Genomic Medicine, NCGM
Classification: Likely pathogenic for Klippel-Feil anomaly-myopathy-facial dysmorphism syndrome. Review status: criteria provided, single submitter. Criteria: ACMG Guidelines, 2015. Collection method: clinical testing. Allele origin: germline. Inheritance: Autosomal recessive inheritance. Affected: yes.

Literature cited by the submitters: PubMed 25748484 (cited by Labcorp Genetics (formerly Invitae), Labcorp); PubMed 32184166 (cited by Labcorp Genetics (formerly Invitae), Labcorp); PubMed 32637634 (cited by Labcorp Genetics (formerly Invitae), Labcorp).

NM_032608.7(MYO18B):c.31G>T (p.Glu11Ter)

Gene: MYO18B (myosin XVIIIB; plus strand). Cytogenetic location: 22q12.1.
Variant type: single nucleotide variant.
Coding change: c.31G>T on transcript NM_032608.7 (MANE Select); coding-DNA position 31, G replaced by T.
Protein change: p.Glu11Ter; replaces glutamic acid 11 with a stop codon.
Molecular consequence: nonsense.
Genome position (GRCh38, 1-based): chr22:25,761,123, G>T. VCF-style: chr22-25761123-G-T. GRCh37 (hg19) VCF-style: chr22-26157090-G-T.
Other names: c.31G>T (NM_032608.6); c.31G>T, p.Glu11Ter (NM_001318245.2); short protein forms E11*.
Identifiers: ClinVar variation 1448838 (VCV001448838.9), dbSNP rs757976244, ClinGen allele CA10159436.